The following is an entry in ClinVar:

NC_000007.14:g.(?_5995524)_(5997433_?)del

Gene: PMS2 (PMS1 homolog 2, mismatch repair system component; minus strand). Cytogenetic location: 7p22.1.
Variant type: Deletion.
Identifiers: ClinVar variation 831329 (VCV000831329.7).

ClinVar aggregate classification (germline): Pathogenic (1 of 4 stars; one submission).

Conditions:
Hereditary nonpolyposis colorectal neoplasms. Identifiers: MedGen C0009405, MeSH D003123.

Submission:

Labcorp Genetics (formerly Invitae), Labcorp
Classification: Pathogenic for Hereditary nonpolyposis colorectal neoplasms. Last evaluated: 2022-08-02. Review status: criteria provided, single submitter. Criteria: Invitae Variant Classification Sherloc (09022015). Collection method: clinical testing. Allele origin: germline.
Comment: This variant is a gross deletion of the genomic region encompassing exon(s) 7-8 of the PMS2 gene. This variant would be expected to be in-frame, preserving the integrity of the reading frame. A similar copy number variant has been observed in individual(s) with constitutional mismatch repair deficiency (PMID: 23629955, 26318770). In at least one individual the data is consistent with being in trans (on the opposite chromosome) from a pathogenic variant. For these reasons, this variant has been classified as Pathogenic.

Literature cited by the submitters: PubMed 23629955; PubMed 26318770.